The following is an entry in ClinVar:

ClinVar aggregate classification (germline): Likely benign. Review status: criteria provided, multiple submitters, no conflicts (2 of 4 stars). 3 submissions from 3 submitters: Likely benign (3). Last evaluated 2024-10-22.

Allele frequency attached by ClinVar (database versions not stated): gnomAD exomes 0.00070 and 0.00108; 1000 Genomes Project 30x 0.00078; 1000 Genomes Project 0.00080; ExAC 0.00080; gnomAD 0.00082 and 0.00086; TOPMed 0.00088; ESP Exome Variant Server 0.00108.

Submissions (3):

Blueprint Genetics
Classification: Likely benign. Last evaluated: 2024-10-22. Review status: criteria provided, single submitter. Criteria: ACMG Guidelines, 2015. Collection method: clinical testing. Allele origin: germline.

GeneDx
Classification: Likely benign. Last evaluated: 2023-12-20. Review status: criteria provided, single submitter. Criteria: GeneDx Variant Classification Process June 2021. Collection method: clinical testing. Allele origin: germline. Affected: yes.
Comment: See Variant Classification Assertion Criteria.

Breakthrough Genomics
Classification: Likely benign. Review status: criteria provided, single submitter. Criteria: ACMG Guidelines, 2015. Collection method: not provided. Allele origin: germline. Inheritance: Autosomal recessive inheritance. Affected: yes.

NM_144628.4(TBC1D20):c.*3G>A

Gene: TBC1D20 (TBC1 domain family member 20; minus strand). Cytogenetic location: 20p13.
Variant type: single nucleotide variant.
Coding change: c.*3G>A on transcript NM_144628.4 (MANE Select); 3 bases downstream of the stop codon, G replaced by A.
Molecular consequence: 3 prime UTR variant. On other transcripts: non-coding transcript variant (1).
Genome position (GRCh38, 1-based): chr20:438,583, C>T on the plus strand (G>A on the coding strand, the complement: TBC1D20 is on the minus strand). VCF-style: chr20-438583-C-T. GRCh37 (hg19) VCF-style: chr20-419227-C-T.
Identifiers: ClinVar variation 1211898 (VCV001211898.7), dbSNP rs148265517, ClinGen allele CA9723435.